The following is an entry in ClinVar:

NM_017570.5(OPLAH):c.3559C>T (p.Arg1187Cys)

Gene: OPLAH (5-oxoprolinase, ATP-hydrolysing; minus strand). Cytogenetic location: 8q24.3.
Variant type: single nucleotide variant.
Coding change: c.3559C>T on transcript NM_017570.5 (MANE Select); coding-DNA position 3559, C replaced by T.
Protein change: p.Arg1187Cys; replaces arginine 1187 with cysteine.
Molecular consequence: missense variant.
Genome position (GRCh38, 1-based): chr8:144,051,979, G>A on the plus strand (C>T on the coding strand, the complement: OPLAH is on the minus strand). VCF-style: chr8-144051979-G-A. GRCh37 (hg19) VCF-style: chr8-145106880-G-A.
Other names: short protein forms R1187C.
Identifiers: ClinVar variation 2124589 (VCV002124589.4), dbSNP rs944369465, ClinGen allele CA372529985.

ClinVar aggregate classification (germline): Uncertain significance (1 of 4 stars; one submission).

Conditions:
5-Oxoprolinase deficiency (OPLAHD). Also called: 5-OXOPROLINURIA DUE TO 5-OXOPROLINASE DEFICIENCY. Identifiers: Orphanet 33572, MedGen C0268525, MONDO:0009825, OMIM 260005, HP:0040142.

Allele frequency attached by ClinVar (database versions not stated): gnomAD exomes below 0.00001.
gnomAD v4.1: 4 of 1,580,462 alleles (0.00025%); highest among the groups gnomAD compares: Non-Finnish European, 0.00026%; no homozygotes.

Submission:

Labcorp Genetics (formerly Invitae), Labcorp
Classification: Uncertain significance for 5-Oxoprolinase deficiency. Last evaluated: 2023-11-27. Review status: criteria provided, single submitter. Criteria: Invitae Variant Classification Sherloc (09022015). Collection method: clinical testing. Allele origin: germline.
Comment: This sequence change replaces arginine, which is basic and polar, with cysteine, which is neutral and slightly polar, at codon 1187 of the OPLAH protein (p.Arg1187Cys). The frequency data for this variant in the population databases is considered unreliable, as metrics indicate poor data quality at this position in the gnomAD database. This variant has not been reported in the literature in individuals affected with OPLAH-related conditions. ClinVar contains an entry for this variant (Variation ID: 2124589). Experimental studies and prediction algorithms are not available or were not evaluated, and the functional significance of this variant is currently unknown. In summary, the available evidence is currently insufficient to determine the role of this variant in disease. Therefore, it has been classified as a Variant of Uncertain Significance.